The following is an entry in ClinVar:

ClinVar aggregate classification (germline): Uncertain significance. Review status: criteria provided, multiple submitters, no conflicts (2 of 4 stars). 2 submissions from 2 submitters: Uncertain significance (2). Last evaluated 2024-06-05.

Allele frequency attached by ClinVar (database versions not stated): gnomAD exomes below 0.00001 and 0.00001; gnomAD 0.00001; TOPMed 0.00001; ExAC 0.00002; ESP Exome Variant Server 0.00015.
gnomAD v4.1: 14 of 1,614,120 alleles (0.00087%); highest among the groups gnomAD compares: African/African-American, 0.008%; no homozygotes.

Submissions (2):

Labcorp Genetics (formerly Invitae), Labcorp
Classification: Uncertain significance. Last evaluated: 2024-06-05. Review status: criteria provided, single submitter. Criteria: Invitae Variant Classification Sherloc (09022015). Collection method: clinical testing. Allele origin: germline.
Comment: This sequence change replaces aspartic acid, which is acidic and polar, with glycine, which is neutral and non-polar, at codon 383 of the SNIP1 protein (p.Asp383Gly). This variant is present in population databases (rs143680314, gnomAD 0.01%). This variant has not been reported in the literature in individuals affected with SNIP1-related conditions. ClinVar contains an entry for this variant (Variation ID: 1437832). An algorithm developed to predict the effect of missense changes on protein structure and function (PolyPhen-2) suggests that this variant is likely to be tolerated. Algorithms developed to predict the effect of sequence changes on RNA splicing suggest that this variant may create or strengthen a splice site. In summary, the available evidence is currently insufficient to determine the role of this variant in disease. Therefore, it has been classified as a Variant of Uncertain Significance.

Ambry Genetics
Classification: Uncertain significance. Last evaluated: 2024-05-26. Review status: criteria provided, single submitter. Criteria: Ambry Variant Classification Scheme 2023. Collection method: clinical testing. Allele origin: germline.

NM_024700.4(SNIP1):c.1148A>G (p.Asp383Gly)

Gene: SNIP1 (Smad nuclear interacting protein 1; minus strand). Cytogenetic location: 1p34.3.
Variant type: single nucleotide variant.
Coding change: c.1148A>G on transcript NM_024700.4 (MANE Select); coding-DNA position 1148, A replaced by G.
Protein change: p.Asp383Gly; replaces aspartic acid 383 with glycine.
Molecular consequence: missense variant.
Genome position (GRCh38, 1-based): chr1:37,537,791, T>C on the plus strand (A>G on the coding strand, the complement: SNIP1 is on the minus strand). VCF-style: chr1-37537791-T-C. GRCh37 (hg19) VCF-style: chr1-38003392-T-C.
Other names: c.1148A>G (NM_024700.2); short protein forms D383G.
Identifiers: ClinVar variation 1437832 (VCV001437832.9), dbSNP rs143680314, ClinGen allele CA771209.